The following is an entry in ClinVar:

ClinVar aggregate classification (germline): Uncertain significance (1 of 4 stars; one submission).

Submission:

GeneDx
Classification: Uncertain significance. Last evaluated: 2017-10-23. Review status: criteria provided, single submitter. Criteria: GeneDx Variant Classification (06012015). Collection method: clinical testing. Allele origin: germline. Affected: yes.
Comment: The c.859delC variant in the FOXA2 gene has not been reported previously as a pathogenic variant nor as a benign variant, to our knowledge. This variant is predicated to cause a frameshift starting with codon Glutamine 287, change this amino acid to an Arginine residue, and create a premature Stop codon at position 42 of the new reading frame, denoted p.Gln287ArgfsX42. This variant is predicted to cause loss of normal protein function through protein truncation, as the last 177 amino acids are replaced with 41 incorrect amino acids. The c.859delC variant is not observed in large population cohorts (Lek et al., 2016). We interpret c.859delC as a variant of uncertain significance.

NM_021784.5(FOXA2):c.859del (p.Gln287fs)

Gene: FOXA2 (forkhead box A2; minus strand). Cytogenetic location: 20p11.21.
Variant type: Deletion.
Coding change: c.859del on transcript NM_021784.5 (MANE Select); coding-DNA position 859, one base deleted (C; older notation c.859delC).
Protein change: p.Gln287fs; shifts the reading frame from glutamine 287.
Molecular consequence: frameshift variant.
Genome position (GRCh38, 1-based): chr20:22,582,383, G deleted on the plus strand (C on the coding strand, the reverse complement: FOXA2 is on the minus strand); the first of 3 consecutive G bases (chr20:22,582,383-22,582,385); deleting any one gives the same sequence. VCF-style (leftmost placement, unchanged base first): chr20-22582382-TG-T. GRCh37 (hg19) VCF-style: chr20-22563020-TG-T.
Other names: c.841del, p.Gln281fs (NM_153675.3); c.859delC (NM_021784.4); short protein forms Q287fs, Q281fs.
Identifiers: ClinVar variation 453119 (VCV000453119.2), dbSNP rs1555809148, ClinGen allele CA658658869.